The following is an entry in ClinVar:

NM_017617.5(NOTCH1):c.4794C>G (p.Arg1598=)

Gene: NOTCH1 (notch receptor 1; minus strand). Cytogenetic location: 9q34.3.
Variant type: single nucleotide variant.
Coding change: c.4794C>G on transcript NM_017617.5 (MANE Select); coding-DNA position 4794, C replaced by G.
Protein change: p.Arg1598=; no amino-acid change (arginine 1598 retained).
Molecular consequence: synonymous variant.
Genome position (GRCh38, 1-based): chr9:136,504,897, G>C on the plus strand (C>G on the coding strand, the complement: NOTCH1 is on the minus strand). VCF-style: chr9-136504897-G-C. GRCh37 (hg19) VCF-style: chr9-139399349-G-C.
Identifiers: ClinVar variation 1597479 (VCV001597479.33), dbSNP rs558708604, ClinGen allele CA467832743.
Genomic context (GRCh38, chr9:136,504,897, plus strand): 5'-GGGGAAGATCATCTGCTGGCCGTGTGCGTCACGCTTGAAGACCACGTTGGTGTGCAGCAC[G>C]CGGCTGAGCTCCCGCAGGAAGTGGAAGGAGCTGTTGCGCAGCTGCTCCGGCGGCATCAGC-3'
Protein context (NP_060087.3, residues 1588-1608): SSFHFLRELS[Arg1598=]VLHTNVVFKR

ClinVar aggregate classification (germline): Likely benign. Review status: criteria provided, multiple submitters, no conflicts (2 of 4 stars). 3 submissions from 3 submitters: Likely benign (3). Last evaluated 2024-10-14.

Conditions:
Adams-Oliver syndrome 5 (AOS5). Identifiers: Orphanet 974, MedGen C4014970, MONDO:0014459, OMIM 616028.

gnomAD v4.1: 24 of 1,585,026 alleles (0.0015%); highest among the groups gnomAD compares: Non-Finnish European, 0.0021%; no homozygotes.

Submissions (3):

Blueprint Genetics
Classification: Likely benign. Last evaluated: 2024-10-14. Review status: criteria provided, single submitter. Criteria: ACMG Guidelines, 2015. Collection method: clinical testing. Allele origin: germline.

Labcorp Genetics (formerly Invitae), Labcorp
Classification: Likely benign for Adams-Oliver syndrome 5. Last evaluated: 2024-09-14. Review status: criteria provided, single submitter. Criteria: Invitae Variant Classification Sherloc (09022015). Collection method: clinical testing. Allele origin: germline.

CeGaT Center for Human Genetics Tuebingen
Classification: Likely benign. Last evaluated: 2022-09-01. Review status: criteria provided, single submitter. Criteria: CeGaT Center For Human Genetics Tuebingen Variant Classification Criteria Version 2. Collection method: clinical testing. Allele origin: germline. Affected: yes. Observed: 1 variant allele.
Comment: NOTCH1: BP4, BP7